The following is an entry in ClinVar:

NM_178452.6(DNAAF1):c.740T>A (p.Leu247Ter)

Gene: DNAAF1 (dynein axonemal assembly factor 1; plus strand). Cytogenetic location: 16q24.1.
Variant type: single nucleotide variant.
Coding change: c.740T>A on transcript NM_178452.6 (MANE Select); coding-DNA position 740, T replaced by A.
Protein change: p.Leu247Ter; replaces leucine 247 with a stop codon.
Molecular consequence: nonsense.
Genome position (GRCh38, 1-based): chr16:84,155,748, T>A. VCF-style: chr16-84155748-T-A. GRCh37 (hg19) VCF-style: chr16-84189353-T-A.
Other names: short protein forms L247*.
Identifiers: ClinVar variation 4849381 (VCV004849381.1).

ClinVar aggregate classification (germline): Likely pathogenic (1 of 4 stars; one submission).

Conditions:
Primary ciliary dyskinesia 13. Also called: CILIARY DYSKINESIA, PRIMARY, 13, WITH OR WITHOUT SITUS INVERSUS. Identifiers: Orphanet 244, MedGen C2750790, MONDO:0013174, OMIM 613193.

Submission:

First Genomix Gene Laboratory, Genetic Diagnostics Department
Classification: Likely pathogenic for Primary ciliary dyskinesia 13. Last evaluated: 2025-06-16. Review status: criteria provided, single submitter. Criteria: ACMG Guidelines, 2015. Collection method: clinical testing. Allele origin: germline. Inheritance: Autosomal recessive inheritance. Affected: no. Observed: 1 variant allele.